The following is an entry in ClinVar:

ClinVar aggregate classification (germline): Pathogenic (1 of 4 stars; one submission).

Conditions:
Autosomal recessive polycystic kidney disease (ARPKD). Also called: AR polycystic kidney disease. Identifiers: Orphanet 731, Orphanet 8378, MedGen C0085548, MeSH D017044, MONDO:0009889.

Submission:

Labcorp Genetics (formerly Invitae), Labcorp
Classification: Pathogenic for Autosomal recessive polycystic kidney disease. Last evaluated: 2022-11-30. Review status: criteria provided, single submitter. Criteria: Invitae Variant Classification Sherloc (09022015). Collection method: clinical testing. Allele origin: germline.
Comment: This sequence change creates a premature translational stop signal (p.Leu1499Argfs*5) in the PKHD1 gene. It is expected to result in an absent or disrupted protein product. Loss-of-function variants in PKHD1 are known to be pathogenic (PMID: 19940839). This variant is not present in population databases (gnomAD no frequency). This variant has not been reported in the literature in individuals affected with PKHD1-related conditions. For these reasons, this variant has been classified as Pathogenic.

Literature cited by the submitters: PubMed 19940839.

NM_138694.4(PKHD1):c.4496del (p.Leu1499fs)

Gene: PKHD1 (PKHD1 ciliary IPT domain containing fibrocystin/polyductin; minus strand). Cytogenetic location: 6p12.2.
Variant type: Deletion.
Coding change: c.4496del on transcript NM_138694.4 (MANE Select); coding-DNA position 4496, one base deleted (T; older notation c.4496delT).
Protein change: p.Leu1499fs; shifts the reading frame from leucine 1499.
Molecular consequence: frameshift variant.
Genome position (GRCh38, 1-based): chr6:52,025,314, A deleted on the plus strand (T on the coding strand, the reverse complement: PKHD1 is on the minus strand). VCF-style (leftmost placement, unchanged base first): chr6-52025313-CA-C. GRCh37 (hg19) VCF-style: chr6-51890111-CA-C.
Other names: c.4496del, p.Leu1499fs (NM_170724.3); short protein forms L1499fs.
Identifiers: ClinVar variation 2817350 (VCV002817350.3), dbSNP rs2532709933, ClinGen allele CA2739273115.
Genomic context (GRCh38, chr6:52,025,313, plus strand): 5'-AAATACCATCGGCTCATCAGCTGTGGTGGCTAACCTCTGACCCCTAATCAGCACAGTGGT[CA>C]GAGACCCACTGGTGTTTGTGGACAAGGCATCCATGACAGGACTTGCCTCTTCCCTTATGA-3'